The following is an entry in ClinVar:

NM_014017.4(LAMTOR2):c.294C>T (p.Thr98=)

Gene: LAMTOR2 (late endosomal/lysosomal adaptor, MAPK and MTOR activator 2; plus strand). Cytogenetic location: 1q22.
Variant type: single nucleotide variant.
Coding change: c.294C>T on transcript NM_014017.4 (MANE Select); coding-DNA position 294, C replaced by T.
Protein change: p.Thr98=; no amino-acid change (threonine 98 retained).
Molecular consequence: synonymous variant. On other transcripts: intron variant (1).
Genome position (GRCh38, 1-based): chr1:156,058,040, C>T. VCF-style: chr1-156058040-C-T. GRCh37 (hg19) VCF-style: chr1-156027831-C-T.
Other names: c.232-275C>T (NM_001145264.2).
Identifiers: ClinVar variation 758354 (VCV000758354.33), dbSNP rs777537272, ClinGen allele CA1154360.

ClinVar aggregate classification (germline): Likely benign. Review status: criteria provided, multiple submitters, no conflicts (2 of 4 stars). 3 submissions from 3 submitters: Likely benign (3). Last evaluated 2026-06-25.

Conditions:
LAMTOR2-related disorder. Also called: LAMTOR2-related condition.

Allele frequency attached by ClinVar (database versions not stated): gnomAD 0.00001; TOPMed 0.00002; gnomAD exomes 0.00003; ExAC 0.00004.
gnomAD v4.1: 48 of 1,614,018 alleles (0.003%); highest among the groups gnomAD compares: Non-Finnish European, 0.0037%; no homozygotes.

Submissions (3):

PreventionGenetics, part of Exact Sciences
Classification: Likely benign for LAMTOR2-related condition. Last evaluated: 2026-06-25. Review status: criteria provided, single submitter. Criteria: ACMG Guidelines, 2015. Collection method: clinical testing. Allele origin: germline.
Comment: This variant is classified as likely benign based on ACMG/AMP sequence variant interpretation guidelines (Richards et al. 2015 PMID: 25741868, with internal and published modifications).

Labcorp Genetics (formerly Invitae), Labcorp
Classification: Likely benign. Last evaluated: 2025-12-23. Review status: criteria provided, single submitter. Criteria: Invitae Variant Classification Sherloc (09022015). Collection method: clinical testing. Allele origin: germline.

CeGaT Center for Human Genetics Tuebingen
Classification: Likely benign. Last evaluated: 2023-03-01. Review status: criteria provided, single submitter. Criteria: CeGaT Center For Human Genetics Tuebingen Variant Classification Criteria Version 2. Collection method: clinical testing. Allele origin: germline. Affected: yes. Observed: 1 variant allele.
Comment: LAMTOR2: BP4, BP7